The following is an entry in ClinVar:

ClinVar aggregate classification (germline): Pathogenic (1 of 4 stars; one submission).

Submission:

GeneDx
Classification: Pathogenic. Last evaluated: 2022-04-20. Review status: criteria provided, single submitter. Criteria: GeneDx Variant Classification Process June 2021. Collection method: clinical testing. Allele origin: germline. Affected: yes.
Comment: Frameshift variant predicted to result in protein truncation or nonsense mediated decay in a gene for which loss-of-function is a known mechanism of disease; Not observed in large population cohorts (gnomAD); Identified in two siblings in the published literature with a clinical diagnosis of Usher syndrome who also harbored a second USH2A variant, although the phase of these two variants was not confirmed (Krawitz et al., 2014); This variant is associated with the following publications: (PMID: 25333064)

NM_206933.4(USH2A):c.7139_7140del (p.Leu2380fs)

Gene: USH2A (usherin; minus strand). Cytogenetic location: 1q41.
Variant type: Deletion.
Coding change: c.7139_7140del on transcript NM_206933.4 (MANE Select); coding-DNA positions 7139 to 7140, 2 bases deleted (TT; older notation c.7139_7140delTT).
Protein change: p.Leu2380fs; shifts the reading frame from leucine 2380.
Molecular consequence: frameshift variant.
Genome position (GRCh38, 1-based): chr1:215,934,776-215,934,777, AA deleted on the plus strand (TT on the coding strand, the reverse complement: USH2A is on the minus strand). VCF-style (leftmost placement, unchanged base first): chr1-215934775-GAA-G. GRCh37 (hg19) VCF-style: chr1-216108117-GAA-G.
Other names: short protein forms L2380fs.
Identifiers: ClinVar variation 1683938 (VCV001683938.2), dbSNP rs2102499800, ClinGen allele CA2573130630.
Genomic context (GRCh38, chr1:215,934,775, plus strand): 5'-CATCGATGAGCACCCAAAGGTTTGTCTCTTCTCCGCTGTACATGACTTTTGTGACATTCA[GAA>G]GGGTGTAGTTATTACCTACTGATTAAAAAAGAAAATTATTAAAATAAATACATATTTAAG-3'